The following is an entry in ClinVar:

ClinVar aggregate classification (germline): Uncertain significance (1 of 4 stars; one submission).

Conditions:
Early-infantile DEE. Also called: Early infantile epileptic encephalopathy; Ohtahara syndrome; Early infantile epileptic encephalopathy with suppression bursts. Identifiers: Orphanet 1934, MedGen C0393706, MONDO:0800491.

Submission:

Labcorp Genetics (formerly Invitae), Labcorp
Classification: Uncertain significance for Early-infantile DEE. Last evaluated: 2024-12-04. Review status: criteria provided, single submitter. Criteria: Invitae Variant Classification Sherloc (09022015). Collection method: clinical testing. Allele origin: germline.
Comment: This sequence change replaces isoleucine, which is neutral and non-polar, with valine, which is neutral and non-polar, at codon 639 of the HCN1 protein (p.Ile639Val). This variant is not present in population databases (gnomAD no frequency). This variant has not been reported in the literature in individuals affected with HCN1-related conditions. Invitae Evidence Modeling of protein sequence and biophysical properties (such as structural, functional, and spatial information, amino acid conservation, physicochemical variation, residue mobility, and thermodynamic stability) indicates that this missense variant is not expected to disrupt HCN1 protein function with a negative predictive value of 95%. In summary, the available evidence is currently insufficient to determine the role of this variant in disease. Therefore, it has been classified as a Variant of Uncertain Significance.

NM_021072.4(HCN1):c.1915A>G (p.Ile639Val)

Gene: HCN1 (hyperpolarization activated cyclic nucleotide gated potassium channel 1; minus strand). Cytogenetic location: 5p12.
Variant type: single nucleotide variant.
Coding change: c.1915A>G on transcript NM_021072.4 (MANE Select); coding-DNA position 1915, A replaced by G.
Protein change: p.Ile639Val; replaces isoleucine 639 with valine.
Molecular consequence: missense variant.
Genome position (GRCh38, 1-based): chr5:45,262,679, T>C on the plus strand (A>G on the coding strand, the complement: HCN1 is on the minus strand). VCF-style: chr5-45262679-T-C. GRCh37 (hg19) VCF-style: chr5-45262781-T-C.
Other names: short protein forms I639V.
Identifiers: ClinVar variation 3635383 (VCV003635383.2).